The following is an entry in ClinVar:

NM_000548.5(TSC2):c.476A>G (p.Glu159Gly)

Gene: TSC2 (TSC complex subunit 2; plus strand). Cytogenetic location: 16p13.3.
Variant type: single nucleotide variant.
Coding change: c.476A>G on transcript NM_000548.5 (MANE Select); coding-DNA position 476, A replaced by G.
Protein change: p.Glu159Gly; replaces glutamic acid 159 with glycine.
Molecular consequence: missense variant. On other transcripts: 5 prime UTR variant (13), non-coding transcript variant (5), intron variant (6).
Genome position (GRCh38, 1-based): chr16:2,054,435, A>G. VCF-style: chr16-2054435-A-G. GRCh37 (hg19) VCF-style: chr16-2104436-A-G.
Other names: c.476A>G, p.Glu159Gly (NM_001077183.3, NM_001114382.3, NM_001406664.1 and 8 more transcripts); c.365A>G, p.Glu122Gly (NM_001318827.2, NM_001406670.1, NM_001406678.1); c.566A>G, p.Glu189Gly (NM_001406667.1, NM_001406668.1); c.329A>G, p.Glu110Gly (NM_001406675.1, NM_001406676.1, NM_001318829.2 and 1 more transcripts); c.419A>G, p.Glu140Gly (NM_001406677.1); c.509A>G, p.Glu170Gly (NM_001318832.2); c.-341A>G (NM_001406680.1, NM_001406683.1, NM_001406687.1); c.31A>G, p.Ser11Gly (NM_001406681.1); and 6 more; short protein forms E140G, E122G, E159G, S11G, E110G, E170G, E189G.
Identifiers: ClinVar variation 2815777 (VCV002815777.5), dbSNP rs1555497716, ClinGen allele CA394308576.
Genomic context (GRCh38, chr16:2,054,435, plus strand): 5'-GGCTGGAGGTTTTCAAGGCCCTCACAGACAATGGGAGACACATCACCTACTTGGAGGAAG[A>G]GCTGGGTGGGTGCCACCTTGGGTTGGAGGTTTCTCTGGCCTTGACGATCAAGTGTAACCT-3'
Protein context (NP_000539.2, residues 149-169): NGRHITYLEE[Glu159Gly]LADFVLQWMD

ClinVar aggregate classification (germline): Uncertain significance. Review status: criteria provided, multiple submitters, no conflicts (2 of 4 stars). 3 submissions from 3 submitters: Uncertain significance (3). Last evaluated 2025-10-23.

Conditions:
Tuberous sclerosis 2 (TSC2). Identifiers: Orphanet 805, MedGen C1860707, MONDO:0013199, OMIM 613254.
Hereditary cancer-predisposing syndrome. Also called: Neoplastic Syndromes, Hereditary; Hereditary Cancer Syndrome; Hereditary neoplastic syndrome; Tumor predisposition. Identifiers: Orphanet 140162, MedGen C0027672, MeSH D009386, MONDO:0015356.
Tuberous sclerosis syndrome (TSC). Also called: Tuberous Sclerosis Complex; Tuberous sclerosis. Identifiers: Orphanet 805, MedGen C0041341, MONDO:0001734.

Submissions (3):

Ambry Genetics
Classification: Uncertain significance for Hereditary cancer-predisposing syndrome. Last evaluated: 2025-10-23. Review status: criteria provided, single submitter. Criteria: Ambry Variant Classification Scheme 2023. Collection method: clinical testing. Allele origin: germline.
Comment: The p.E159G variant (also known as c.476A>G), located in coding exon 4 of the TSC2 gene, results from an A to G substitution at nucleotide position 476. The glutamic acid at codon 159 is replaced by glycine, an amino acid with similar properties. This amino acid position is conserved. In addition, the in silico prediction for this alteration is inconclusive. Based on the available evidence, the clinical significance of this variant remains unclear.

Labcorp Genetics (formerly Invitae), Labcorp
Classification: Uncertain significance for Tuberous sclerosis 2. Last evaluated: 2024-10-24. Review status: criteria provided, single submitter. Criteria: Invitae Variant Classification Sherloc (09022015). Collection method: clinical testing. Allele origin: germline.
Comment: This sequence change replaces glutamic acid, which is acidic and polar, with glycine, which is neutral and non-polar, at codon 159 of the TSC2 protein (p.Glu159Gly). This variant is not present in population databases (gnomAD no frequency). This variant has not been reported in the literature in individuals affected with TSC2-related conditions. Invitae Evidence Modeling of protein sequence and biophysical properties (such as structural, functional, and spatial information, amino acid conservation, physicochemical variation, residue mobility, and thermodynamic stability) indicates that this missense variant is not expected to disrupt TSC2 protein function with a negative predictive value of 95%. RNA analysis performed to evaluate the impact of this missense change on mRNA splicing indicates it does not significantly alter splicing (internal data). In summary, the available evidence is currently insufficient to determine the role of this variant in disease. Therefore, it has been classified as a Variant of Uncertain Significance.

All of Us Research Program, National Institutes of Health
Classification: Uncertain significance for Tuberous sclerosis syndrome. Last evaluated: 2023-06-08. Review status: criteria provided, single submitter. Criteria: ACMG Guidelines, 2015. Collection method: clinical testing. Allele origin: germline. Inheritance: Autosomal dominant inheritance. Observed: 1 variant allele, 1 heterozygote.
Comment: This missense variant replaces glutamic acid with glycine at codon 159 of the TSC2 protein. Computational prediction suggests that this variant may have deleterious impact on protein structure and function (internally defined REVEL score threshold >= 0.7, PMID: 27666373). To our knowledge, functional studies have not been reported for this variant. This variant has not been reported in individuals affected with TSC2-related disorders in the literature. This variant has not been identified in the general population by the Genome Aggregation Database (gnomAD). The available evidence is insufficient to determine the role of this variant in disease conclusively. Therefore, this variant is classified as a Variant of Uncertain Significance.

This study involves interpretation of variants in research participants for the purpose of population health screening. Participant phenotype was not available at the time of variant classification. Additional details can be found in publication PMID: 35346344, PMCID: PMC8962531